The following is an entry in ClinVar:

ClinVar aggregate classification (germline): Uncertain significance (1 of 4 stars; one submission).

Conditions:
Peutz-Jeghers syndrome (PJS). Also called: POLYPOSIS, HAMARTOMATOUS INTESTINAL; POLYPS-AND-SPOTS SYNDROME; Peutz-Jeghers polyposis; Periorificial lentiginosis syndrome. Identifiers: Orphanet 2869, MedGen C0031269, MeSH D010580, MONDO:0008280, OMIM 175200.

Submission:

Labcorp Genetics (formerly Invitae), Labcorp
Classification: Uncertain significance for Peutz-Jeghers syndrome. Last evaluated: 2023-10-03. Review status: criteria provided, single submitter. Criteria: Invitae Variant Classification Sherloc (09022015). Collection method: clinical testing. Allele origin: germline.
Comment: This sequence change replaces proline, which is neutral and non-polar, with glutamine, which is neutral and polar, at codon 324 of the STK11 protein (p.Pro324Gln). This variant is not present in population databases (gnomAD no frequency). This variant has not been reported in the literature in individuals affected with STK11-related conditions. Advanced modeling of protein sequence and biophysical properties (such as structural, functional, and spatial information, amino acid conservation, physicochemical variation, residue mobility, and thermodynamic stability) has been performed at Invitae for this missense variant, however the output from this modeling did not meet the statistical confidence thresholds required to predict the impact of this variant on STK11 protein function. Algorithms developed to predict the effect of sequence changes on RNA splicing suggest that this variant may create or strengthen a splice site. In summary, the available evidence is currently insufficient to determine the role of this variant in disease. Therefore, it has been classified as a Variant of Uncertain Significance.

NM_000455.5(STK11):c.971C>A (p.Pro324Gln)

Gene: STK11 (serine/threonine kinase 11; plus strand). Cytogenetic location: 19p13.3.
Variant type: single nucleotide variant.
Coding change: c.971C>A on transcript NM_000455.5 (MANE Select); coding-DNA position 971, C replaced by A.
Protein change: p.Pro324Gln; replaces proline 324 with glutamine.
Molecular consequence: missense variant. On other transcripts: non-coding transcript variant (1).
Genome position (GRCh38, 1-based): chr19:1,223,035, C>A. VCF-style: chr19-1223035-C-A. GRCh37 (hg19) VCF-style: chr19-1223034-C-A.
Other names: c.971C>A, p.Pro324Gln (NM_001407255.1); short protein forms P324Q.
Identifiers: ClinVar variation 2764817 (VCV002764817.3), dbSNP rs367807476, ClinGen allele CA402951581.